The following is an entry in ClinVar:

ClinVar aggregate classification (germline): Uncertain significance (1 of 4 stars; one submission).

Submission:

Dasa
Classification: Uncertain significance. Last evaluated: 2025-12-29. Review status: criteria provided, single submitter. Criteria: DASA Assertion Criteria. Collection method: clinical testing. Allele origin: germline.
Comment: NM_003462.5(DNALI1):c.388_389del (p.Gln130Valfs*3) is a frameshift variant in DNALI1 predicted to alter the reading frame and introduce a premature termination codon. This variant is absent from population databases. The currently available literature and clinical evidence are not sufficient to establish a definitive association between this variant and the reported condition. Therefore, this variant is classified as a variant of uncertain significance.

NM_003462.5(DNALI1):c.388_389del (p.Gln130fs)

Gene: DNALI1 (dynein axonemal light intermediate chain 1; plus strand). Cytogenetic location: 1p34.3.
Variant type: Microsatellite.
Coding change: c.388_389del on transcript NM_003462.5 (MANE Select); coding-DNA positions 388 to 389, 2 bases deleted (CA; older notation c.388_389delCA).
Protein change: p.Gln130fs; shifts the reading frame from glutamine 130.
Molecular consequence: frameshift variant.
Genome position (GRCh38, 1-based): chr1:37,559,487-37,559,488, CA deleted; deleting any 2 consecutive bases within chr1:37,559,485-37,559,488 gives the same sequence; the c. name uses the placement nearest the transcript's 3' end. VCF-style (leftmost placement, unchanged base first): chr1-37559484-TCA-T. GRCh37 (hg19) VCF-style: chr1-38025085-TCA-T.
Other names: short protein forms Q130fs.
Identifiers: ClinVar variation 4883973 (VCV004883973.2).